The following is an entry in ClinVar:

ClinVar aggregate classification (germline): Uncertain significance (1 of 4 stars; one submission).

Submission:

Labcorp Genetics (formerly Invitae), Labcorp
Classification: Uncertain significance. Last evaluated: 2024-04-15. Review status: criteria provided, single submitter. Criteria: Invitae Variant Classification Sherloc (09022015). Collection method: clinical testing. Allele origin: germline.
Comment: This sequence change replaces glutamic acid, which is acidic and polar, with glutamine, which is neutral and polar, at codon 347 of the ITGAM protein (p.Glu347Gln). This variant is not present in population databases (gnomAD no frequency). This variant has not been reported in the literature in individuals affected with ITGAM-related conditions. An algorithm developed to predict the effect of missense changes on protein structure and function (PolyPhen-2) suggests that this variant is likely to be disruptive. In summary, the available evidence is currently insufficient to determine the role of this variant in disease. Therefore, it has been classified as a Variant of Uncertain Significance.

NM_000632.4(ITGAM):c.1039G>C (p.Glu347Gln)

Gene: ITGAM (integrin subunit alpha M; plus strand). Cytogenetic location: 16p11.2.
Variant type: single nucleotide variant.
Coding change: c.1039G>C on transcript NM_000632.4 (MANE Select); coding-DNA position 1039, G replaced by C.
Protein change: p.Glu347Gln; replaces glutamic acid 347 with glutamine.
Molecular consequence: missense variant.
Genome position (GRCh38, 1-based): chr16:31,276,700, G>C. VCF-style: chr16-31276700-G-C. GRCh37 (hg19) VCF-style: chr16-31288021-G-C.
Other names: c.1039G>C, p.Glu347Gln (NM_001145808.2); short protein forms E347Q.
Identifiers: ClinVar variation 2742529 (VCV002742529.3), dbSNP rs1247941272, ClinGen allele CA395698257.